The following is an entry in ClinVar:

ClinVar aggregate classification (germline): Uncertain significance (1 of 4 stars; one submission).

Conditions:
Sialuria. Also called: SIALURIA, FRENCH TYPE; Sialic Acid Storage Disease. Identifiers: Orphanet 3166, MedGen C0342853, MONDO:0010028, OMIM 269921.
GNE myopathy (NM). Also called: NONAKA DISTAL MYOPATHY; INCLUSION BODY MYOPATHY, HEREDITARY, AUTOSOMAL RECESSIVE; INCLUSION BODY MYOPATHY 2, AUTOSOMAL RECESSIVE; MYOPATHY, DISTAL, WITH OR WITHOUT RIMMED VACUOLES; IBM 2; Inclusion body myopathy autosomal recessive. Identifiers: Orphanet 602, MedGen C1853926, MONDO:0011603, OMIM 605820.

gnomAD v4.1: 1 of 1,613,622 alleles (0.000062%); highest among the groups gnomAD compares: East Asian, 0.0022%; no homozygotes.

Submission:

Labcorp Genetics (formerly Invitae), Labcorp
Classification: Uncertain significance for Sialuria; GNE myopathy. Last evaluated: 2024-10-10. Review status: criteria provided, single submitter. Criteria: Invitae Variant Classification Sherloc (09022015). Collection method: clinical testing. Allele origin: germline.
Comment: This sequence change replaces arginine, which is basic and polar, with cysteine, which is neutral and slightly polar, at codon 50 of the GNE protein (p.Arg50Cys). This variant is not present in population databases (gnomAD no frequency). This variant has not been reported in the literature in individuals affected with GNE-related conditions. Invitae Evidence Modeling of protein sequence and biophysical properties (such as structural, functional, and spatial information, amino acid conservation, physicochemical variation, residue mobility, and thermodynamic stability) has been performed for this missense variant. However, the output from this modeling did not meet the statistical confidence thresholds required to predict the impact of this variant on GNE protein function. In summary, the available evidence is currently insufficient to determine the role of this variant in disease. Therefore, it has been classified as a Variant of Uncertain Significance.

NM_005476.7(GNE):c.55C>T (p.Arg19Cys)

Gene: GNE (glucosamine (UDP-N-acetyl)-2-epimerase/N-acetylmannosamine kinase; minus strand). Cytogenetic location: 9p13.3.
Variant type: single nucleotide variant.
Coding change: c.55C>T on transcript NM_005476.7 (MANE Select); coding-DNA position 55, C replaced by T.
Protein change: p.Arg19Cys; replaces arginine 19 with cysteine.
Molecular consequence: missense variant. On other transcripts: intron variant (3).
Genome position (GRCh38, 1-based): chr9:36,249,301, G>A on the plus strand (C>T on the coding strand, the complement: GNE is on the minus strand). VCF-style: chr9-36249301-G-A. GRCh37 (hg19) VCF-style: chr9-36249298-G-A.
Other names: c.148C>T, p.Arg50Cys (NM_001128227.3); c.55C>T, p.Arg19Cys (NM_001190383.3, NM_001374797.1); c.-13-2819C>T (NM_001190388.2, NM_001190384.3, NM_001374798.1); short protein forms R19C, R50C.
Identifiers: ClinVar variation 3753080 (VCV003753080.2).